The following is an entry in ClinVar:

ClinVar aggregate classification (germline): Conflicting classifications of pathogenicity. Review status: criteria provided, conflicting classifications (1 of 4 stars). 2 submissions from 2 submitters: Uncertain significance (1); Likely benign (1). Last evaluated 2025-05-05.

Conditions:
Inborn genetic diseases. Identifiers: MedGen C0950123, MeSH D030342.

Allele frequency attached by ClinVar (database versions not stated): ExAC 0.00002.

Submissions (2):

Ambry Genetics
Classification: Likely benign for Inborn genetic diseases. Last evaluated: 2025-05-05. Review status: criteria provided, single submitter. Criteria: Ambry Variant Classification Scheme 2023. Collection method: clinical testing. Allele origin: germline.

Labcorp Genetics (formerly Invitae), Labcorp
Classification: Uncertain significance. Last evaluated: 2022-08-12. Review status: criteria provided, single submitter. Criteria: Invitae Variant Classification Sherloc (09022015). Collection method: clinical testing. Allele origin: germline.
Comment: This variant has not been reported in the literature in individuals affected with ASXL1-related conditions. This sequence change replaces proline, which is neutral and non-polar, with alanine, which is neutral and non-polar, at codon 1272 of the ASXL1 protein (p.Pro1272Ala). This variant is present in population databases (rs542860516, gnomAD 0.006%). Algorithms developed to predict the effect of missense changes on protein structure and function (SIFT, PolyPhen-2, Align-GVGD) all suggest that this variant is likely to be disruptive. In summary, the available evidence is currently insufficient to determine the role of this variant in disease. Therefore, it has been classified as a Variant of Uncertain Significance.

NM_015338.6(ASXL1):c.3814C>G (p.Pro1272Ala)

Gene: ASXL1 (ASXL transcriptional regulator 1; plus strand). Cytogenetic location: 20q11.21.
Variant type: single nucleotide variant.
Coding change: c.3814C>G on transcript NM_015338.6 (MANE Select); coding-DNA position 3814, C replaced by G.
Protein change: p.Pro1272Ala; replaces proline 1272 with alanine.
Molecular consequence: missense variant.
Genome position (GRCh38, 1-based): chr20:32,436,526, C>G. VCF-style: chr20-32436526-C-G. GRCh37 (hg19) VCF-style: chr20-31024329-C-G.
Other names: c.3631C>G, p.Pro1211Ala (NM_001363734.1); short protein forms P1211A, P1272A.
Identifiers: ClinVar variation 1716190 (VCV001716190.6), dbSNP rs542860516, ClinGen allele CA9808910.
Genomic context (GRCh38, chr20:32,436,526, plus strand): 5'-GACAGTAATTCAAATGCTGCTCCAGGAAAGAGCCCAGGAGATCTTACTACCTCGAGAACA[C>G]CTCGTTTCTCATCTCCAAATGTGATCTCCTTTGGTCCAGAGCAGACAGGTCGGGCCCTGG-3'
Protein context (NP_056153.2, residues 1262-1282): SPGDLTTSRT[Pro1272Ala]RFSSPNVISF